The following is an entry in ClinVar:

NM_001394062.1(MACF1):c.21752G>C (p.Arg7251Pro)

Gene: MACF1 (microtubule actin crosslinking factor 1; plus strand). Cytogenetic location: 1p34.3.
Variant type: single nucleotide variant.
Coding change: c.21752G>C on transcript NM_001394062.1 (MANE Select); coding-DNA position 21752, G replaced by C.
Protein change: p.Arg7251Pro; replaces arginine 7251 with proline.
Molecular consequence: missense variant.
Genome position (GRCh38, 1-based): chr1:39,463,685, G>C. VCF-style: chr1-39463685-G-C. GRCh37 (hg19) VCF-style: chr1-39929357-G-C.
Other names: c.9830G>C, p.Arg3277Pro (NM_001397473.1); c.15575G>C, p.Arg5192Pro (NM_012090.5); short protein forms R3277P, R5192P, R7251P.
Identifiers: ClinVar variation 2499569 (VCV002499569.3), dbSNP rs1307065903, ClinGen allele CA339775104.
Genomic context (GRCh38, chr1:39,463,685, plus strand): 5'-TGGCTCAGTGCAAATGTGCAAAAAGGTTTCAGGTGGAGCAGATCGGAGAGAATAAATACC[G>C]GGTAAGGAAGAGAAAAAGCAGTCCTTTGTTGTGGTGGTTTCTCATATGTGGCTGATCCCA-3'
Protein context (NP_001380991.1, residues 7241-7261): QVEQIGENKY[Arg7251Pro]FFLGNQFGDS

ClinVar aggregate classification (germline): Likely pathogenic. Review status: criteria provided, multiple submitters, no conflicts (2 of 4 stars). 2 submissions from 2 submitters: Likely pathogenic (2). Last evaluated 2024-06-27.

Conditions:
Lissencephaly 9 with complex brainstem malformation. Identifiers: Orphanet 572013, MedGen C5193029, MONDO:0032677, OMIM 618325.

Submissions (2):

3billion
Classification: Likely pathogenic for Lissencephaly 9 with complex brainstem malformation. Last evaluated: 2024-06-27. Review status: criteria provided, single submitter. Criteria: ACMG Guidelines, 2015. Collection method: clinical testing. Allele origin: germline. Affected: yes.
Comment: The variant is not observed in the gnomAD v4.0.0 dataset. Predicted Consequence/Location: Missense variant In silico tool predictions suggest damaging effect of the variant on gene or gene product [REVEL: 0.74 (>=0.6, sensitivity 0.68 and specificity 0.92); 3Cnet: 0.99 (>=0.6, sensitivity 0.72 and precision 0.9)]. The same nucleotide change resulting in the same amino acid change has been previously reported to be associated with MACF1 related disorder (ClinVar ID: VCV002499569). Therefore, this variant is classified as Likely pathogenic according to the recommendation of ACMG/AMP guideline.

Duke University Health System Sequencing Clinic, Duke University Health System
Classification: Likely pathogenic for Lissencephaly 9 with complex brainstem malformation. Last evaluated: 2023-04-20. Review status: criteria provided, single submitter. Criteria: ACMG Guidelines, 2015. Collection method: research. Allele origin: de novo. Affected: yes.